The following is an entry in ClinVar:

ClinVar aggregate classification (germline): Conflicting classifications of pathogenicity. Review status: criteria provided, conflicting classifications (1 of 4 stars). 2 submissions from 2 submitters: Uncertain significance (1); Likely benign (1). Last evaluated 2026-09-01.

gnomAD v4.1: 70 of 1,613,970 alleles (0.0043%); highest among the groups gnomAD compares: Non-Finnish European, 0.0056%; no homozygotes.

Submissions (2):

CeGaT Center for Human Genetics Tuebingen
Classification: Likely benign. Last evaluated: 2026-09-01. Review status: criteria provided, single submitter. Criteria: CeGaT Center For Human Genetics Tuebingen Variant Classification Criteria Version 2. Collection method: clinical testing. Allele origin: germline. Affected: yes. Observed: 1 variant allele.
Comment: KCNB2: BP4

Ambry Genetics
Classification: Uncertain significance. Last evaluated: 2025-08-25. Review status: criteria provided, single submitter. Criteria: Ambry Variant Classification Scheme 2023. Collection method: clinical testing. Allele origin: germline.

NM_004770.3(KCNB2):c.2020A>G (p.Ile674Val)

Gene: KCNB2 (potassium voltage-gated channel subfamily B member 2; plus strand). Cytogenetic location: 8q21.11.
Variant type: single nucleotide variant.
Coding change: c.2020A>G on transcript NM_004770.3 (MANE Select); coding-DNA position 2020, A replaced by G.
Protein change: p.Ile674Val; replaces isoleucine 674 with valine.
Molecular consequence: missense variant.
Genome position (GRCh38, 1-based): chr8:72,937,375, A>G. VCF-style: chr8-72937375-A-G. GRCh37 (hg19) VCF-style: chr8-73849610-A-G.
Other names: short protein forms I674V.
Identifiers: ClinVar variation 4090149 (VCV004090149.2).